The following is an entry in ClinVar:

ClinVar aggregate classification (germline): Uncertain significance (1 of 4 stars; one submission).

Submission:

Labcorp Genetics (formerly Invitae), Labcorp
Classification: Uncertain significance. Last evaluated: 2025-07-27. Review status: criteria provided, single submitter. Criteria: Invitae Variant Classification Sherloc (09022015). Collection method: clinical testing. Allele origin: germline.
Comment: This sequence change replaces asparagine, which is neutral and polar, with lysine, which is basic and polar, at codon 1762 of the CACNA1D protein (p.Asn1762Lys). This variant is not present in population databases (gnomAD no frequency). This variant has not been reported in the literature in individuals affected with CACNA1D-related conditions. An algorithm developed to predict the effect of missense changes on protein structure and function (PolyPhen-2) suggests that this variant is likely to be tolerated. In summary, the available evidence is currently insufficient to determine the role of this variant in disease. Therefore, it has been classified as a Variant of Uncertain Significance.

NM_001128840.3(CACNA1D):c.5226C>G (p.Asn1742Lys)

Gene: CACNA1D (calcium voltage-gated channel subunit alpha1 D; plus strand). Cytogenetic location: 3p21.1.
Variant type: single nucleotide variant.
Coding change: c.5226C>G on transcript NM_001128840.3 (MANE Select); coding-DNA position 5226, C replaced by G.
Protein change: p.Asn1742Lys; replaces asparagine 1742 with lysine.
Molecular consequence: missense variant.
Genome position (GRCh38, 1-based): chr3:53,801,243, C>G. VCF-style: chr3-53801243-C-G. GRCh37 (hg19) VCF-style: chr3-53835270-C-G.
Other names: c.5286C>G, p.Asn1762Lys (NM_000720.4); c.5181C>G, p.Asn1727Lys (NM_001128839.3); short protein forms N1727K, N1742K, N1762K.
Identifiers: ClinVar variation 4724101 (VCV004724101.1).